The following is an entry in ClinVar:

ClinVar aggregate classification (germline): Uncertain significance. Review status: criteria provided, multiple submitters, no conflicts (2 of 4 stars). 4 submissions from 3 submitters: Uncertain significance (4). Last evaluated 2024-01-17.

Conditions:
Cardiovascular phenotype. Identifiers: MedGen CN230736.
Tangier disease (TGD). Also called: HIGH DENSITY LIPOPROTEIN DEFICIENCY, TANGIER TYPE; HIGH DENSITY LIPOPROTEIN DEFICIENCY, TYPE 1; Cholesterol thesaurismosis. Identifiers: Orphanet 31150, MedGen C0039292, MONDO:0008783, OMIM 205400.
Hypoalphalipoproteinemia, primary, 1. Identifiers: Orphanet 425, MedGen C5231558, MONDO:0011393, OMIM 604091.

Allele frequency attached by ClinVar (database versions not stated): gnomAD 0.00001; ExAC 0.00002; gnomAD exomes 0.00002.
gnomAD v4.1: 21 of 1,614,116 alleles (0.0013%); highest among the groups gnomAD compares: Admixed American, 0.0017%; no homozygotes.

Submissions (4):

Ambry Genetics
Classification: Uncertain significance for Cardiovascular phenotype. Last evaluated: 2024-01-17. Review status: criteria provided, single submitter. Criteria: Ambry Variant Classification Scheme 2023. Collection method: clinical testing. Allele origin: germline.
Comment: The p.R1342W variant (also known as c.4024C>T), located in coding exon 27 of the ABCA1 gene, results from a C to T substitution at nucleotide position 4024. The arginine at codon 1342 is replaced by tryptophan, an amino acid with dissimilar properties. This variant has been reported in a HDL-C deficiency cohort, being identified in one individual with a HDL-C of 4mg/dL (Dong W et al. J Lipid Res, 2022 Jun;63:100209). This amino acid position is highly conserved in available vertebrate species. In addition, this alteration is predicted to be deleterious by in silico analysis. Based on the available evidence, the clinical significance of this alteration remains unclear.

Labcorp Genetics (formerly Invitae), Labcorp
Classification: Uncertain significance. Last evaluated: 2021-11-16. Review status: criteria provided, single submitter. Criteria: Invitae Variant Classification Sherloc (09022015). Collection method: clinical testing. Allele origin: germline.
Comment: This variant is present in population databases (rs760786920, gnomAD 0.003%). In summary, the available evidence is currently insufficient to determine the role of this variant in disease. Therefore, it has been classified as a Variant of Uncertain Significance. Advanced modeling of protein sequence and biophysical properties (such as structural, functional, and spatial information, amino acid conservation, physicochemical variation, residue mobility, and thermodynamic stability) performed at Invitae indicates that this missense variant is expected to disrupt ABCA1 protein function. ClinVar contains an entry for this variant (Variation ID: 364407). This variant has not been reported in the literature in individuals affected with ABCA1-related conditions. This sequence change replaces arginine, which is basic and polar, with tryptophan, which is neutral and slightly polar, at codon 1342 of the ABCA1 protein (p.Arg1342Trp).

Illumina Laboratory Services, Illumina
Classification: Uncertain significance for Hypoalphalipoproteinemia, primary, 1. Last evaluated: 2018-01-13. Review status: criteria provided, single submitter. Criteria: ICSL Variant Classification Criteria 13 December 2019. Collection method: clinical testing. Allele origin: germline.

Illumina Laboratory Services, Illumina
Classification: Uncertain significance for Tangier disease. Last evaluated: 2018-01-13. Review status: criteria provided, single submitter. Criteria: ICSL Variant Classification Criteria 13 December 2019. Collection method: clinical testing. Allele origin: germline.

Literature cited by the submitters: PubMed 35460704 (cited by Ambry Genetics).

NM_005502.4(ABCA1):c.4024C>T (p.Arg1342Trp)

Gene: ABCA1 (ATP binding cassette subfamily A member 1; minus strand). Cytogenetic location: 9q31.1.
Variant type: single nucleotide variant.
Coding change: c.4024C>T on transcript NM_005502.4 (MANE Select); coding-DNA position 4024, C replaced by T.
Protein change: p.Arg1342Trp; replaces arginine 1342 with tryptophan.
Molecular consequence: missense variant.
Genome position (GRCh38, 1-based): chr9:104,812,600, G>A on the plus strand (C>T on the coding strand, the complement: ABCA1 is on the minus strand). VCF-style: chr9-104812600-G-A. GRCh37 (hg19) VCF-style: chr9-107574881-G-A.
Other names: short protein forms R1342W.
Identifiers: ClinVar variation 364407 (VCV000364407.11), dbSNP rs760786920, ClinGen allele CA5168270.
Genomic context (GRCh38, chr9:104,812,600, plus strand): 5'-AGCCAGAGTCTCTGGCGAAAACAGCACGTCTCACCTGAGCAAAAAATCCTTTCCGACTCC[G>A]TCTGGCAATTAGCAGTCTCTTCCACAAAAGGGCCACAAACTGTTGCTGTGTAAGTTTCCA-3'
Protein context (NP_005493.2, residues 1332-1352): LLWKRLLIAR[Arg1342Trp]SRKGFFAQIV